The following is an entry in ClinVar:

ClinVar aggregate classification (germline): Uncertain significance (1 of 4 stars; one submission).

Submission:

Labcorp Genetics (formerly Invitae), Labcorp
Classification: Uncertain significance. Last evaluated: 2022-04-24. Review status: criteria provided, single submitter. Criteria: Invitae Variant Classification Sherloc (09022015). Collection method: clinical testing. Allele origin: germline.
Comment: In summary, the available evidence is currently insufficient to determine the role of this variant in disease. Therefore, it has been classified as a Variant of Uncertain Significance. Algorithms developed to predict the effect of missense changes on protein structure and function output the following: SIFT: "Tolerated"; PolyPhen-2: "Benign"; Align-GVGD: "Class C0". The serine amino acid residue is found in multiple mammalian species, which suggests that this missense change does not adversely affect protein function. This variant has not been reported in the literature in individuals affected with KANK1-related conditions. This variant is not present in population databases (gnomAD no frequency). This sequence change replaces proline, which is neutral and non-polar, with serine, which is neutral and polar, at codon 69 of the KANK1 protein (p.Pro69Ser).

NM_015158.5(KANK1):c.205C>T (p.Pro69Ser)

Gene: KANK1 (KN motif and ankyrin repeat domains 1; plus strand). Cytogenetic location: 9p24.3.
Variant type: single nucleotide variant.
Coding change: c.205C>T on transcript NM_015158.5 (MANE Select); coding-DNA position 205, C replaced by T.
Protein change: p.Pro69Ser; replaces proline 69 with serine.
Molecular consequence: missense variant. On other transcripts: 5 prime UTR variant (12), non-coding transcript variant (1).
Genome position (GRCh38, 1-based): chr9:710,971, C>T. VCF-style: chr9-710971-C-T. GRCh37 (hg19) VCF-style: chr9-710971-C-T.
Other names: c.205C>T, p.Pro69Ser (NM_001256876.3, NM_001256877.3, NM_001354331.2 and 2 more transcripts); c.-270C>T (NM_001354333.2, NM_001354335.2, NM_001354336.2 and 9 more transcripts); short protein forms P69S.
Identifiers: ClinVar variation 2130051 (VCV002130051.4), dbSNP rs2539670503, ClinGen allele CA372745694.